The following is an entry in ClinVar:

NM_001144060.2(NHSL1):c.2619A>G (p.Ser873=)

Gene: NHSL1 (NHS like 1; minus strand). Cytogenetic location: 6q24.1.
Variant type: single nucleotide variant.
Coding change: c.2619A>G on transcript NM_001144060.2 (MANE Select); coding-DNA position 2619, A replaced by G.
Protein change: p.Ser873=; no amino-acid change (serine 873 retained).
Molecular consequence: synonymous variant.
Genome position (GRCh38, 1-based): chr6:138,431,726, T>C on the plus strand (A>G on the coding strand, the complement: NHSL1 is on the minus strand). VCF-style: chr6-138431726-T-C. GRCh37 (hg19) VCF-style: chr6-138752863-T-C.
Other names: c.2631A>G, p.Ser877= (NM_020464.2).
Identifiers: ClinVar variation 2656943 (VCV002656943.24), dbSNP rs1775684642, ClinGen allele CA452439433.

ClinVar aggregate classification (germline): Likely benign (1 of 4 stars; one submission).

Allele frequency attached by ClinVar (database versions not stated): gnomAD exomes 0.00001.
gnomAD v4.1: 5 of 1,551,784 alleles (0.00032%); highest among the groups gnomAD compares: Middle Eastern, 0.017%; no homozygotes.

Submission:

CeGaT Center for Human Genetics Tuebingen
Classification: Likely benign. Last evaluated: 2024-02-01. Review status: criteria provided, single submitter. Criteria: CeGaT Center For Human Genetics Tuebingen Variant Classification Criteria Version 2. Collection method: clinical testing. Allele origin: germline. Affected: yes. Observed: 1 variant allele.
Comment: NHSL1: PM2:Supporting, BP4, BP7